The following is an entry in ClinVar:

ClinVar aggregate classification (germline): Likely benign. Review status: criteria provided, multiple submitters, no conflicts (2 of 4 stars). 4 submissions from 4 submitters: Likely benign (4). Last evaluated 2025-05-13.

Conditions:
FLNC-related disorder. Also called: FLNC-related condition; FLNC-related disorders.
Cardiovascular phenotype. Identifiers: MedGen CN230736.
Hypertrophic cardiomyopathy 26. Also called: Cardiomyopathy, familial hypertrophic, 26. Identifiers: Orphanet 75249, MedGen C4310749, MONDO:0014883, OMIM 617047.
Distal myopathy with posterior leg and anterior hand involvement. Also called: WILLIAMS DISTAL MYOPATHY. Identifiers: Orphanet 63273, MedGen C3279722, MONDO:0013550, OMIM 614065.
Myofibrillar myopathy 5. Also called: FILAMINOPATHY, AUTOSOMAL DOMINANT; Filaminopathy (type). Identifiers: Orphanet 171445, MedGen C1836050, MONDO:0012289, OMIM 609524.

Allele frequency attached by ClinVar (database versions not stated): ExAC 0.00002.
gnomAD v4.1: 4 of 1,589,968 alleles (0.00025%); highest among the groups gnomAD compares: South Asian, 0.0023%; no homozygotes.

Submissions (4):

PreventionGenetics, part of Exact Sciences
Classification: Likely benign for FLNC-related condition. Last evaluated: 2025-05-13. Review status: criteria provided, single submitter. Criteria: ACMG Guidelines, 2015. Collection method: clinical testing. Allele origin: germline.
Comment: This variant is classified as likely benign based on ACMG/AMP sequence variant interpretation guidelines (Richards et al. 2015 PMID: 25741868, with internal and published modifications).

Labcorp Genetics (formerly Invitae), Labcorp
Classification: Likely benign for Distal myopathy with posterior leg and anterior hand involvement; Myofibrillar myopathy 5; Hypertrophic cardiomyopathy 26. Last evaluated: 2024-07-16. Review status: criteria provided, single submitter. Criteria: Invitae Variant Classification Sherloc (09022015). Collection method: clinical testing. Allele origin: germline.

Blueprint Genetics
Classification: Likely benign. Last evaluated: 2022-12-12. Review status: criteria provided, single submitter. Criteria: ACMG Guidelines, 2015. Collection method: clinical testing. Allele origin: germline.

Ambry Genetics
Classification: Likely benign for Cardiovascular phenotype. Last evaluated: 2020-01-12. Review status: criteria provided, single submitter. Criteria: Ambry Variant Classification Scheme 2023. Collection method: clinical testing. Allele origin: germline.

NM_001458.5(FLNC):c.675C>T (p.Ala225=)

Gene: FLNC (filamin C; plus strand). Cytogenetic location: 7q32.1.
Variant type: single nucleotide variant.
Coding change: c.675C>T on transcript NM_001458.5 (MANE Select); coding-DNA position 675, C replaced by T.
Protein change: p.Ala225=; no amino-acid change (alanine 225 retained).
Molecular consequence: synonymous variant.
Genome position (GRCh38, 1-based): chr7:128,837,233, C>T. VCF-style: chr7-128837233-C-T. GRCh37 (hg19) VCF-style: chr7-128477287-C-T.
Other names: c.675C>T, p.Ala225= (NM_001127487.2).
Identifiers: ClinVar variation 1078552 (VCV001078552.13), dbSNP rs780730123, ClinGen allele CA4474090.